The following is an entry in ClinVar:

ClinVar aggregate classification (germline): Uncertain significance (1 of 4 stars; one submission).

Allele frequency attached by ClinVar (database versions not stated): gnomAD exomes below 0.00001.
gnomAD v4.1: 1 of 1,612,928 alleles (0.000062%); highest among the groups gnomAD compares: Non-Finnish European, 0.000085%; no homozygotes.

Submission:

CeGaT Center for Human Genetics Tuebingen
Classification: Uncertain significance. Last evaluated: 2024-01-01. Review status: criteria provided, single submitter. Criteria: CeGaT Center For Human Genetics Tuebingen Variant Classification Criteria Version 2. Collection method: clinical testing. Allele origin: germline. Affected: yes. Observed: 1 variant allele.
Comment: SACS: PM2

NM_014363.6(SACS):c.9463C>T (p.Leu3155Phe)

Gene: SACS (sacsin molecular chaperone; minus strand). Cytogenetic location: 13q12.12.
Variant type: single nucleotide variant.
Coding change: c.9463C>T on transcript NM_014363.6 (MANE Select); coding-DNA position 9463, C replaced by T.
Protein change: p.Leu3155Phe; replaces leucine 3155 with phenylalanine.
Molecular consequence: missense variant.
Genome position (GRCh38, 1-based): chr13:23,334,413, G>A on the plus strand (C>T on the coding strand, the complement: SACS is on the minus strand). VCF-style: chr13-23334413-G-A. GRCh37 (hg19) VCF-style: chr13-23908552-G-A.
Other names: c.9022C>T, p.Leu3008Phe (NM_001278055.2); short protein forms L3008F, L3155F.
Identifiers: ClinVar variation 3027038 (VCV003027038.22), dbSNP rs2542199616, ClinGen allele CA387514376.